The following is an entry in ClinVar:

NM_052867.4(NALCN):c.4868C>T (p.Thr1623Met)

Gene: NALCN (sodium leak channel, non-selective; minus strand). Cytogenetic location: 13q32.3.
Variant type: single nucleotide variant.
Coding change: c.4868C>T on transcript NM_052867.4 (MANE Select); coding-DNA position 4868, C replaced by T.
Protein change: p.Thr1623Met; replaces threonine 1623 with methionine.
Molecular consequence: missense variant.
Genome position (GRCh38, 1-based): chr13:101,059,855, G>A on the plus strand (C>T on the coding strand, the complement: NALCN is on the minus strand). VCF-style: chr13-101059855-G-A. GRCh37 (hg19) VCF-style: chr13-101712207-G-A.
Other names: c.4955C>T, p.Thr1652Met (NM_001350748.2); c.4868C>T, p.Thr1623Met (NM_001350749.2); c.4781C>T, p.Thr1594Met (NM_001350750.2, NM_001350751.2); short protein forms T1594M, T1623M, T1652M.
Identifiers: ClinVar variation 1698248 (VCV001698248.8), dbSNP rs756401086, ClinGen allele CA7035002.

ClinVar aggregate classification (germline): Conflicting classifications of pathogenicity. Review status: criteria provided, conflicting classifications (1 of 4 stars). 3 submissions from 3 submitters: Uncertain significance (2); Likely benign (1). Last evaluated 2025-10-20.

Conditions:
Inborn genetic diseases. Identifiers: MedGen C0950123, MeSH D030342.

Allele frequency attached by ClinVar (database versions not stated): gnomAD 0.00001; ExAC 0.00002; gnomAD exomes 0.00002.
gnomAD v4.1: 78 of 1,613,836 alleles (0.0048%); highest among the groups gnomAD compares: Non-Finnish European, 0.006%; no homozygotes.

Submissions (3):

Labcorp Genetics (formerly Invitae), Labcorp
Classification: Uncertain significance. Last evaluated: 2025-10-20. Review status: criteria provided, single submitter. Criteria: Invitae Variant Classification Sherloc (09022015). Collection method: clinical testing. Allele origin: germline.
Comment: This sequence change replaces threonine, which is neutral and polar, with methionine, which is neutral and non-polar, at codon 1623 of the NALCN protein (p.Thr1623Met). This variant is present in population databases (rs756401086, gnomAD 0.008%). This variant has not been reported in the literature in individuals affected with NALCN-related conditions. ClinVar contains an entry for this variant (Variation ID: 1698248). Invitae Evidence Modeling of protein sequence and biophysical properties (such as structural, functional, and spatial information, amino acid conservation, physicochemical variation, residue mobility, and thermodynamic stability) indicates that this missense variant is not expected to disrupt NALCN protein function with a negative predictive value of 80%. In summary, the available evidence is currently insufficient to determine the role of this variant in disease. Therefore, it has been classified as a Variant of Uncertain Significance.

Ambry Genetics
Classification: Likely benign for Inborn genetic diseases. Last evaluated: 2025-09-25. Review status: criteria provided, single submitter. Criteria: Ambry Variant Classification Scheme 2023. Collection method: clinical testing. Allele origin: germline.

GeneDx
Classification: Uncertain significance. Last evaluated: 2022-01-21. Review status: criteria provided, single submitter. Criteria: GeneDx Variant Classification Process June 2021. Collection method: clinical testing. Allele origin: germline. Affected: yes.
Comment: In silico analysis supports that this missense variant does not alter protein structure/function; Has not been previously published as pathogenic or benign to our knowledge